The following is an entry in ClinVar:

NM_007294.4(BRCA1):c.3010G>T (p.Glu1004Ter)

Gene: BRCA1 (BRCA1 DNA repair associated; minus strand). Cytogenetic location: 17q21.31.
Variant type: single nucleotide variant.
Coding change: c.3010G>T on transcript NM_007294.4 (MANE Select); coding-DNA position 3010, G replaced by T.
Protein change: p.Glu1004Ter; replaces glutamic acid 1004 with a stop codon.
Molecular consequence: nonsense. On other transcripts: intron variant (137).
Genome position (GRCh38, 1-based): chr17:43,092,521, C>A on the plus strand (G>T on the coding strand, the complement: BRCA1 is on the minus strand). VCF-style: chr17-43092521-C-A. GRCh37 (hg19) VCF-style: chr17-41244538-C-A.
Other names: 3129G>T (E1004X); c.3007G>T, p.Glu1003Ter (NM_001407587.1, NM_001407590.1, NM_001407591.1 and 22 more transcripts); c.3010G>T, p.Glu1004Ter (NM_001407593.1, NM_001407594.1, NM_001407596.1 and 30 more transcripts); c.3001G>T, p.Glu1001Ter (NM_001407646.1, NM_001407647.1); c.2887G>T, p.Glu963Ter (NM_001407648.1, NM_001407664.1, NM_001407675.1 and 19 more transcripts); c.2884G>T, p.Glu962Ter (NM_001407649.1, NM_001407685.1, NM_001407686.1 and 11 more transcripts); c.2932G>T, p.Glu978Ter (NM_001407653.1, NM_001407654.1, NM_001407655.1 and 4 more transcripts); c.2929G>T, p.Glu977Ter (NM_001407659.1, NM_001407660.1, NM_001407661.1 and 1 more transcripts); and 42 more; short protein forms E1004*, E957*, E1001*, E1003*, E963*, E836*, E916*, E936*.
Identifiers: ClinVar variation 266328 (VCV000266328.6), dbSNP rs786202534, ClinGen allele CA10589788.

ClinVar aggregate classification (germline): Pathogenic. Review status: reviewed by expert panel (3 of 4 stars). 2 submissions from 2 submitters: Pathogenic (1). 1 of the submissions does not count toward it. Last evaluated 2016-10-18.

Conditions:
Breast-ovarian cancer, familial, susceptibility to, 1 (BROVCA1). Also called: BRCA1 Hereditary Breast and Ovarian Cancer; OVARIAN CANCER, SUSCEPTIBILITY TO. Identifiers: Orphanet 145, MedGen C2676676, MONDO:0011450, OMIM 604370. Disease mechanism: loss of function.

Submissions (2):

Evidence-based Network for the Interpretation of Germline Mutant Alleles (ENIGMA)
Classification: Pathogenic for Breast-ovarian cancer, familial, susceptibility to, 1. Last evaluated: 2016-10-18. Review status: reviewed by expert panel. Criteria: ENIGMA BRCA1/2 Classification Criteria (2015). Collection method: curation. Allele origin: germline.
Comment: Variant allele predicted to encode a truncated non-functional protein.

Consortium of Investigators of Modifiers of BRCA1/2 (CIMBA), c/o University of Cambridge
Classification: Pathogenic for Breast-ovarian cancer, familial, susceptibility to, 1. Last evaluated: 2015-10-02. Review status: criteria provided, single submitter. Criteria: CIMBA Mutation Classification guidelines May 2016. Collection method: clinical testing. Allele origin: germline. Not counted in ClinVar's aggregate classification.